The following is an entry in ClinVar:

NM_015021.3(ZNF292):c.6280C>T (p.Arg2094Ter)

Gene: ZNF292 (zinc finger protein 292; plus strand). Cytogenetic location: 6q14.3.
Variant type: single nucleotide variant.
Coding change: c.6280C>T on transcript NM_015021.3 (MANE Select); coding-DNA position 6280, C replaced by T.
Protein change: p.Arg2094Ter; replaces arginine 2094 with a stop codon.
Molecular consequence: nonsense.
Genome position (GRCh38, 1-based): chr6:87,259,909, C>T. VCF-style: chr6-87259909-C-T. GRCh37 (hg19) VCF-style: chr6-87969627-C-T.
Other names: c.5860C>T, p.Arg1954Ter (NM_001351444.2); short protein forms R1954*, R2094*.
Identifiers: ClinVar variation 1320796 (VCV001320796.2), dbSNP rs2127872172, ClinGen allele CA364937374.

ClinVar aggregate classification (germline): Pathogenic (1 of 4 stars; one submission).

Submission:

GeneDx
Classification: Pathogenic. Last evaluated: 2021-08-29. Review status: criteria provided, single submitter. Criteria: GeneDx Variant Classification Process June 2021. Collection method: clinical testing. Allele origin: germline. Affected: yes.
Comment: Nonsense variant in the C-terminus predicted to result in protein truncation, as the last 630 amino acids are lost, and other loss-of-function variants have been reported downstream in the Human Gene Mutation Database (Stenson et al., 2014); Not observed at significant frequency in large population cohorts (Lek et al., 2016); Has not been previously published as pathogenic or benign to our knowledge